The following is an entry in ClinVar:

ClinVar aggregate classification (germline): Uncertain significance. Review status: criteria provided, multiple submitters, no conflicts (2 of 4 stars). 2 submissions from 2 submitters: Uncertain significance (2). Last evaluated 2026-06-25.

Conditions:
Loeys-Dietz syndrome 2 (LDS2). Also called: TGFBR2-Related Loeys-Dietz Syndrome; Marfan syndrome, type 2 (formerly); AORTIC ANEURYSM, FAMILIAL THORACIC 3; MARFAN SYNDROME, TYPE II; Marfan Syndrome type 2; Marfan like connective tissue disorder. Identifiers: Orphanet 284973, Orphanet 558, MedGen C2674574, MONDO:0012427, OMIM 610168.

Allele frequency attached by ClinVar (database versions not stated): ExAC 0.00013.
gnomAD v4.1: 2 of 1,493,124 alleles (0.00013%); highest among the groups gnomAD compares: South Asian, 0.0026%; no homozygotes.

Submissions (2):

Ambry Genetics
Classification: Uncertain significance. Last evaluated: 2026-06-25. Review status: criteria provided, single submitter. Criteria: Ambry Variant Classification Scheme 2023. Collection method: clinical testing. Allele origin: germline.
Comment: The p.A84V variant (also known as c.251C>T), located in coding exon 1 of the TMPO gene, results from a C to T substitution at nucleotide position 251. The alanine at codon 84 is replaced by valine, an amino acid with similar properties. This amino acid position is conserved. In addition, this alteration is predicted to be tolerated by in silico analysis. Based on the available evidence, the clinical significance of this variant remains unclear.

Labcorp Genetics (formerly Invitae), Labcorp
Classification: Uncertain significance for Loeys-Dietz syndrome 2. Last evaluated: 2023-02-10. Review status: criteria provided, single submitter. Criteria: Invitae Variant Classification Sherloc (09022015). Collection method: clinical testing. Allele origin: germline.
Comment: This sequence change replaces alanine, which is neutral and non-polar, with valine, which is neutral and non-polar, at codon 84 of the TMPO protein (p.Ala84Val). This variant is present in population databases (rs769379071, gnomAD 0.01%). This variant has not been reported in the literature in individuals affected with TMPO-related conditions. Algorithms developed to predict the effect of missense changes on protein structure and function are either unavailable or do not agree on the potential impact of this missense change (SIFT: "Deleterious"; PolyPhen-2: "Benign"; Align-GVGD: "Class C0"). In summary, the available evidence is currently insufficient to determine the role of this variant in disease. Therefore, it has been classified as a Variant of Uncertain Significance.

NM_001032283.3(TMPO):c.251C>T (p.Ala84Val)

Genes: TMPO (thymopoietin; plus strand), TMPO-AS1 (TMPO antisense RNA 1; minus strand), LOC130008520 (ATAC-STARR-seq lymphoblastoid silent region 4752; plus strand). Cytogenetic location: 12q23.1.
Variant type: single nucleotide variant.
Coding change: c.251C>T on transcript NM_001032283.3 (MANE Select); coding-DNA position 251, C replaced by T.
Protein change: p.Ala84Val; replaces alanine 84 with valine.
Molecular consequence: missense variant. On other transcripts: non-coding transcript variant (1).
Genome position (GRCh38, 1-based): chr12:98,516,118, C>T. VCF-style: chr12-98516118-C-T. GRCh37 (hg19) VCF-style: chr12-98909896-C-T.
Other names: c.251C>T, p.Ala84Val (NM_001032284.3, NM_001307975.2, NM_003276.2); short protein forms A84V.
Identifiers: ClinVar variation 2832026 (VCV002832026.4), dbSNP rs769379071, ClinGen allele CA6732142.